The following is an entry in ClinVar:

NM_001374353.1(GLI2):c.257C>T (p.Pro86Leu)

Gene: GLI2 (GLI family zinc finger 2; plus strand). Cytogenetic location: 2q14.2.
Variant type: single nucleotide variant.
Coding change: c.257C>T on transcript NM_001374353.1 (MANE Select); coding-DNA position 257, C replaced by T.
Protein change: p.Pro86Leu; replaces proline 86 with leucine.
Molecular consequence: missense variant. On other transcripts: 5 prime UTR variant (1).
Genome position (GRCh38, 1-based): chr2:120,951,245, C>T. VCF-style: chr2-120951245-C-T. GRCh37 (hg19) VCF-style: chr2-121708821-C-T.
Other names: c.257C>T, p.Pro86Leu (NM_001371271.1, NM_005270.5); c.-119C>T (NM_001374354.1); short protein forms P86L.
Identifiers: ClinVar variation 1488479 (VCV001488479.5), dbSNP rs757479194, ClinGen allele CA1851487.

ClinVar aggregate classification (germline): Uncertain significance (1 of 4 stars; one submission).

Conditions:
Postaxial polydactyly-anterior pituitary anomalies-facial dysmorphism syndrome. Also called: Culler-Jones syndrome. Identifiers: Orphanet 420584, MedGen C4014479, MONDO:0014369, OMIM 615849.
Holoprosencephaly 9 (HPE9). Also called: HOLOPROSENCEPHALY WITH MICROPHTHALMIA AND FIRST BRANCHIAL ARCH ANOMALIES; PITUITARY ANOMALIES WITH HOLOPROSENCEPHALY-LIKE FEATURES. Identifiers: Orphanet 2162, MedGen C1835819, MONDO:0012563, OMIM 610829.

Allele frequency attached by ClinVar (database versions not stated): gnomAD exomes below 0.00001 and 0.00002; gnomAD 0.00001; ExAC 0.00002; TOPMed 0.00002.
gnomAD v4.1: 8 of 1,593,262 alleles (0.0005%); highest among the groups gnomAD compares: Non-Finnish European, 0.00069%; no homozygotes.

Submission:

Labcorp Genetics (formerly Invitae), Labcorp
Classification: Uncertain significance for Postaxial polydactyly-anterior pituitary anomalies-facial dysmorphism syndrome; Holoprosencephaly 9. Last evaluated: 2022-06-05. Review status: criteria provided, single submitter. Criteria: Invitae Variant Classification Sherloc (09022015). Collection method: clinical testing. Allele origin: germline.
Comment: This sequence change replaces proline, which is neutral and non-polar, with leucine, which is neutral and non-polar, at codon 86 of the GLI2 protein (p.Pro86Leu). This variant is present in population databases (rs757479194, gnomAD 0.003%). This variant has not been reported in the literature in individuals affected with GLI2-related conditions. ClinVar contains an entry for this variant (Variation ID: 1488479). Algorithms developed to predict the effect of missense changes on protein structure and function are either unavailable or do not agree on the potential impact of this missense change (SIFT: "Deleterious"; PolyPhen-2: "Probably Damaging"; Align-GVGD: "Class C0"). In summary, the available evidence is currently insufficient to determine the role of this variant in disease. Therefore, it has been classified as a Variant of Uncertain Significance.